The following is an entry in ClinVar:

ClinVar aggregate classification (germline): Likely benign (1 of 4 stars; one submission).

Allele frequency attached by ClinVar (database versions not stated): gnomAD exomes below 0.00001.
gnomAD v4.1: 3 of 1,613,232 alleles (0.00019%); highest among the groups gnomAD compares: Middle Eastern, 0.017%; no homozygotes.

Submission:

Women's Health and Genetics/Laboratory Corporation of America, LabCorp
Classification: Likely benign. Last evaluated: 2024-03-14. Review status: criteria provided, single submitter. Criteria: LabCorp Variant Classification Summary - May 2015. Collection method: clinical testing. Allele origin: germline.
Comment: Variant summary: ITPR1 c.2907T>C alters a conserved nucleotide resulting in a synonymous change. Consensus agreement among computation tools predict no significant impact on normal splicing. However, these predictions have yet to be confirmed by functional studies. The variant was absent in 249006 control chromosomes. The available data on variant occurrences in the general population are insufficient to allow any conclusion about variant significance. To our knowledge, no occurrence of c.2907T>C in individuals affected with Spinocerebellar Ataxia 29 and no experimental evidence demonstrating its impact on protein function have been reported. No submitters have cited clinical-significance assessments for this variant to ClinVar. Based on the evidence outlined above, the variant was classified as likely benign.

NM_001378452.1(ITPR1):c.2979T>C (p.Asn993=)

Gene: ITPR1 (inositol 1,4,5-trisphosphate receptor type 1; plus strand). Cytogenetic location: 3p26.1.
Variant type: single nucleotide variant.
Coding change: c.2979T>C on transcript NM_001378452.1 (MANE Select); coding-DNA position 2979, T replaced by C.
Protein change: p.Asn993=; no amino-acid change (asparagine 993 retained).
Molecular consequence: synonymous variant.
Genome position (GRCh38, 1-based): chr3:4,680,564, T>C. VCF-style: chr3-4680564-T-C. GRCh37 (hg19) VCF-style: chr3-4722248-T-C.
Other names: c.2952T>C, p.Asn984= (NM_001099952.4); c.2934T>C, p.Asn978= (NM_001168272.2); c.2907T>C, p.Asn969= (NM_002222.7).
Identifiers: ClinVar variation 3233953 (VCV003233953.2), dbSNP rs2469785199, ClinGen allele CA432320822.
Genomic context (GRCh38, chr3:4,680,564, plus strand): 5'-TGGTATGTTAATGTAACCAATCTGTTTCCATTTCCACTTGAATCTTTAGTTTATTTTGAA[T>C]GTGAGGTTGGATTATAGGATCTCCTGCCTCCTGTGTATATTTAAGCGAGAGTTTGATGAA-3'
Protein context (NP_001365381.1, residues 983-1003): KIIEILQFIL[Asn993=]VRLDYRISCL